The following is an entry in ClinVar:

ClinVar aggregate classification (germline): Uncertain significance. Review status: criteria provided, single submitter (1 of 4 stars). 2 submissions from 2 submitters: Uncertain significance (1). 1 of the submissions does not count toward it. Last evaluated 2022-03-19.

Conditions:
Usher syndrome type 2A. Also called: USHER SYNDROME, TYPE IIA; RETINAL DISEASE IN USHER SYNDROME TYPE IIA, MODIFIER OF. Identifiers: Orphanet 231178, Orphanet 886, MedGen C1848634, MONDO:0010169, OMIM 276901.

Submissions (2):

Labcorp Genetics (formerly Invitae), Labcorp
Classification: Uncertain significance. Last evaluated: 2022-03-19. Review status: criteria provided, single submitter. Criteria: Invitae Variant Classification Sherloc (09022015). Collection method: clinical testing. Allele origin: germline.
Comment: This variant, c.9672_9674del, results in the deletion of 1 amino acid(s) of the USH2A protein (p.Gly3225del), but otherwise preserves the integrity of the reading frame. This variant is present in population databases (rs756735388, gnomAD 0.004%). This variant has not been reported in the literature in individuals affected with USH2A-related conditions. ClinVar contains an entry for this variant (Variation ID: 942717). Experimental studies and prediction algorithms are not available or were not evaluated, and the functional significance of this variant is currently unknown. In summary, the available evidence is currently insufficient to determine the role of this variant in disease. Therefore, it has been classified as a Variant of Uncertain Significance.

Natera, Inc.
Classification: Uncertain significance for Usher syndrome type 2A. Last evaluated: 2020-09-29. Review status: no assertion criteria provided. Collection method: clinical testing. Allele origin: germline. Not counted in ClinVar's aggregate classification.

NM_206933.4(USH2A):c.9669TGG[1] (p.Gly3225del)

Gene: USH2A (usherin; minus strand). Cytogenetic location: 1q41.
Variant type: Microsatellite.
Coding change: c.9669TGG[1] on transcript NM_206933.4 (MANE Select); one copy of the 3-base unit TGG starting at c.9669; the reference has two copies in a row; one copy, 3 bases deleted; also written c.9672_9674del.
Protein change: p.Gly3225del; deletes glycine 3225.
Molecular consequence: inframe deletion.
Genome position (GRCh38, 1-based): chr1:215,813,801-215,813,803, CCA deleted on the plus strand (TGG on the coding strand, the reverse complement: USH2A is on the minus strand); deleting any 3 consecutive bases within chr1:215,813,801-215,813,807 gives the same sequence; the position shown is the placement nearest the transcript's 3' end. VCF-style (leftmost placement, unchanged base first): chr1-215813800-GCCA-G. GRCh37 (hg19) VCF-style: chr1-215987142-GCCA-G.
Other names: c.9672_9674del (NM_206933.4); short protein forms G3225del.
Identifiers: ClinVar variation 942717 (VCV000942717.7), dbSNP rs756735388, ClinGen allele CA1394244.
Genomic context (GRCh38, chr1:215,813,800, plus strand): 5'-TAGAATTCTAGCGTAATACCCAGAGCAGCACTGATGATTTGGTTGTGCCTCCTGTATTCG[GCCA>G]CCACAACAAACTCCAGTAGAATTCAGAACAAACGGGATATACTTTTCTTCACAACAGCGA-3'